The following is an entry in ClinVar:

NM_004928.3(CFAP410):c.443_444del (p.Glu148fs)

Gene: CFAP410 (cilia and flagella associated protein 410; minus strand). Cytogenetic location: 21q22.3.
Variant type: Microsatellite.
Coding change: c.443_444del on transcript NM_004928.3 (MANE Select); coding-DNA positions 443 to 444, 2 bases deleted (AG; older notation c.443_444delAG).
Protein change: p.Glu148fs; shifts the reading frame from glutamic acid 148.
Molecular consequence: frameshift variant.
Genome position (GRCh38, 1-based): chr21:44,331,944-44,331,945, CT deleted on the plus strand (AG on the coding strand, the reverse complement: CFAP410 is on the minus strand); deleting any 2 consecutive bases within chr21:44,331,944-44,331,953 gives the same sequence; the c. name uses the placement nearest the transcript's 3' end. VCF-style (leftmost placement, unchanged base first): chr21-44331943-CCT-C. GRCh37 (hg19) VCF-style: chr21-45751826-CCT-C.
Other names: c.443_444del, p.Glu148fs (NM_001271440.2, NM_001271441.2); c.320_321del, p.Glu107fs (NM_001271442.1); short protein forms E107fs, E148fs.
Identifiers: ClinVar variation 986997 (VCV000986997.8), dbSNP rs756970705, ClinGen allele CA10053671.

ClinVar aggregate classification (germline): Pathogenic/Likely pathogenic. Review status: criteria provided, multiple submitters, no conflicts (2 of 4 stars). 3 submissions from 3 submitters: Pathogenic (1); Likely pathogenic (2). Last evaluated 2024-02-24.

Conditions:
CFAP410-related disorder. Also called: CFAP410-related condition.

Submissions (3):

Labcorp Genetics (formerly Invitae), Labcorp
Classification: Pathogenic. Last evaluated: 2024-02-24. Review status: criteria provided, single submitter. Criteria: Invitae Variant Classification Sherloc (09022015). Collection method: clinical testing. Allele origin: germline.
Comment: This sequence change creates a premature translational stop signal (p.Glu148Glyfs*21) in the CFAP410 gene. It is expected to result in an absent or disrupted protein product. Loss-of-function variants in CFAP410 are known to be pathogenic (PMID: 23105016, 26167768). The frequency data for this variant in the population databases is considered unreliable, as metrics indicate poor data quality at this position in the gnomAD database. This variant has not been reported in the literature in individuals affected with CFAP410-related conditions. For these reasons, this variant has been classified as Pathogenic.

Blueprint Genetics
Classification: Likely pathogenic for CFAP410-related disorders. Last evaluated: 2022-03-10. Review status: criteria provided, single submitter. Criteria: ACMG Guidelines, 2015. Collection method: clinical testing. Allele origin: germline. Affected: yes. Observed: 1 variant allele.

Institute of Medical Genetics and Applied Genomics, University Hospital Tübingen
Classification: Likely pathogenic. Last evaluated: 2020-10-23. Review status: criteria provided, single submitter. Criteria: ACMG Guidelines, 2015. Collection method: clinical testing. Allele origin: germline. Inheritance: Autosomal recessive inheritance. Affected: yes.

Literature cited by the submitters: PubMed 23105016 (cited by Labcorp Genetics (formerly Invitae), Labcorp); PubMed 26167768 (cited by Labcorp Genetics (formerly Invitae), Labcorp).